The following is an entry in ClinVar:

ClinVar aggregate classification (germline): Uncertain significance (1 of 4 stars; one submission).

Allele frequency attached by ClinVar (database versions not stated): TOPMed below 0.00001; gnomAD 0.00001; gnomAD exomes 0.00001.
gnomAD v4.1: 15 of 1,613,998 alleles (0.00093%); highest among the groups gnomAD compares: Non-Finnish European, 0.0013%; no homozygotes.

Submission:

Labcorp Genetics (formerly Invitae), Labcorp
Classification: Uncertain significance. Last evaluated: 2021-12-19. Review status: criteria provided, single submitter. Criteria: Invitae Variant Classification Sherloc (09022015). Collection method: clinical testing. Allele origin: germline.
Comment: This sequence change replaces valine, which is neutral and non-polar, with leucine, which is neutral and non-polar, at codon 313 of the IFNAR2 protein (p.Val313Leu). This variant is not present in population databases (gnomAD no frequency). This variant has not been reported in the literature in individuals affected with IFNAR2-related conditions. Algorithms developed to predict the effect of missense changes on protein structure and function output the following: SIFT: "Tolerated"; PolyPhen-2: "Probably Damaging"; Align-GVGD: "Class C0". The leucine amino acid residue is found in multiple mammalian species, which suggests that this missense change does not adversely affect protein function. In summary, the available evidence is currently insufficient to determine the role of this variant in disease. Therefore, it has been classified as a Variant of Uncertain Significance.

NM_001289125.3(IFNAR2):c.937G>C (p.Val313Leu)

Genes: IFNAR2 (interferon alpha and beta receptor subunit 2; plus strand), IFNAR2-IL10RB (IFNAR2-IL10RB readthrough; plus strand). Cytogenetic location: 21q22.11.
Variant type: single nucleotide variant.
Coding change: c.937G>C on transcript NM_001289125.3 (MANE Select); coding-DNA position 937, G replaced by C.
Protein change: p.Val313Leu; replaces valine 313 with leucine.
Molecular consequence: missense variant. On other transcripts: 3 prime UTR variant (5).
Genome position (GRCh38, 1-based): chr21:33,262,889, G>C. VCF-style: chr21-33262889-G-C. GRCh37 (hg19) VCF-style: chr21-34635194-G-C.
Other names: c.*173G>C (NM_000874.5, NM_207584.3); c.*86G>C (NM_001289126.2, NM_001289128.2); c.*312G>C (NM_001385054.1); c.937G>C, p.Val313Leu (NM_001385055.1, NM_207585.3); short protein forms V313L.
Identifiers: ClinVar variation 2049516 (VCV002049516.1), dbSNP rs1988733156, ClinGen allele CA410104655.
Genomic context (GRCh38, chr21:33,262,889, plus strand): 5'-CTGCCACCGTTGGAAGCCATGGATATGGTGGAGGTCATTTACATCAACAGAAAGAAGAAA[G>C]TGTGGGATTATAATTATGATGATGAAAGTGATAGCGATACTGAGGCAGCGCCCAGGACAA-3'
Protein context (NP_001276054.1, residues 303-323): EVIYINRKKK[Val313Leu]WDYNYDDESD